The following is an entry in ClinVar:

NM_004104.5(FASN):c.5373C>G (p.Phe1791Leu)

Gene: FASN (fatty acid synthase; minus strand). Cytogenetic location: 17q25.3.
Variant type: single nucleotide variant.
Coding change: c.5373C>G on transcript NM_004104.5 (MANE Select); coding-DNA position 5373, C replaced by G.
Protein change: p.Phe1791Leu; replaces phenylalanine 1791 with leucine.
Molecular consequence: missense variant.
Genome position (GRCh38, 1-based): chr17:82,083,394, G>C on the plus strand (C>G on the coding strand, the complement: FASN is on the minus strand). VCF-style: chr17-82083394-G-C. GRCh37 (hg19) VCF-style: chr17-80041270-G-C.
Other names: short protein forms F1791L.
Identifiers: ClinVar variation 3646563 (VCV003646563.2).

ClinVar aggregate classification (germline): Uncertain significance (1 of 4 stars; one submission).

Conditions:
Epileptic encephalopathy. Identifiers: MedGen C0543888, HP:0200134.

gnomAD v4.1: 6 of 1,612,812 alleles (0.00037%); highest among the groups gnomAD compares: Non-Finnish European, 0.00051%; no homozygotes.

Submission:

Labcorp Genetics (formerly Invitae), Labcorp
Classification: Uncertain significance for Epileptic encephalopathy. Last evaluated: 2024-03-18. Review status: criteria provided, single submitter. Criteria: Invitae Variant Classification Sherloc (09022015). Collection method: clinical testing. Allele origin: germline.
Comment: This sequence change replaces phenylalanine, which is neutral and non-polar, with leucine, which is neutral and non-polar, at codon 1791 of the FASN protein (p.Phe1791Leu). This variant is present in population databases (no rsID available, gnomAD 0.0009%). This variant has not been reported in the literature in individuals affected with FASN-related conditions. An algorithm developed to predict the effect of missense changes on protein structure and function (PolyPhen-2) suggests that this variant is likely to be disruptive. In summary, the available evidence is currently insufficient to determine the role of this variant in disease. Therefore, it has been classified as a Variant of Uncertain Significance.